The following is an entry in ClinVar:

NM_000059.4(BRCA2):c.9276T>G (p.Tyr3092Ter)

Gene: BRCA2 (BRCA2 DNA repair associated; plus strand). Cytogenetic location: 13q13.1.
Variant type: single nucleotide variant.
Coding change: c.9276T>G on transcript NM_000059.4 (MANE Select); coding-DNA position 9276, T replaced by G.
Protein change: p.Tyr3092Ter; replaces tyrosine 3092 with a stop codon.
Molecular consequence: nonsense.
Genome position (GRCh38, 1-based): chr13:32,394,708, T>G. VCF-style: chr13-32394708-T-G. GRCh37 (hg19) VCF-style: chr13-32968845-T-G.
Other names: short protein forms Y3092*.
Identifiers: ClinVar variation 52803 (VCV000052803.18), dbSNP rs80359197, ClinGen allele CA026083.

ClinVar aggregate classification (germline): Pathogenic. Review status: reviewed by expert panel (3 of 4 stars). 7 submissions from 7 submitters: Pathogenic (1). 6 of the submissions do not count toward it. Last evaluated 2016-09-08.

Conditions:
Hereditary cancer-predisposing syndrome. Also called: Neoplastic Syndromes, Hereditary; Tumor predisposition; Hereditary neoplastic syndrome; Hereditary Cancer Syndrome. Identifiers: Orphanet 140162, MedGen C0027672, MeSH D009386, MONDO:0015356.
Hereditary breast ovarian cancer syndrome. Also called: Hereditary breast and ovarian cancer syndrome; Hereditary breast and ovarian cancer; Hereditary breast and ovarian cancer syndrome (HBOC); Breast and ovarian cancer; Hereditary breast and/or ovarian cancer syndrome; BRCA1- and BRCA2-Associated Hereditary Breast and Ovarian Cancer. Identifiers: Orphanet 145, MedGen C0677776, MeSH D061325, MONDO:0003582. Disease mechanism: loss of function.
Breast-ovarian cancer, familial, susceptibility to, 2 (BROVCA2). Also called: BRCA2 Hereditary Breast and Ovarian Cancer. Identifiers: Orphanet 145, MedGen C2675520, MONDO:0012933, OMIM 612555. Disease mechanism: loss of function.

Submissions (7):

Evidence-based Network for the Interpretation of Germline Mutant Alleles (ENIGMA)
Classification: Pathogenic for Breast-ovarian cancer, familial, susceptibility to, 2. Last evaluated: 2016-09-08. Review status: reviewed by expert panel. Criteria: ENIGMA BRCA1/2 Classification Criteria (2015). Collection method: curation. Allele origin: germline.
Comment: Variant allele predicted to encode a truncated non-functional protein.

Labcorp Genetics (formerly Invitae), Labcorp
Classification: Pathogenic for Hereditary breast ovarian cancer syndrome. Last evaluated: 2025-04-26. Review status: criteria provided, single submitter. Criteria: Invitae Variant Classification Sherloc (09022015). Collection method: clinical testing. Allele origin: germline. Not counted in ClinVar's aggregate classification.
Comment: This sequence change creates a premature translational stop signal (p.Tyr3092*) in the BRCA2 gene. It is expected to result in an absent or disrupted protein product. Loss-of-function variants in BRCA2 are known to be pathogenic (PMID: 20104584). This variant is not present in population databases (gnomAD no frequency). This premature translational stop signal has been observed in individual(s) with breast cancer (PMID: 9840533). ClinVar contains an entry for this variant (Variation ID: 52803). For these reasons, this variant has been classified as Pathogenic.

Ambry Genetics
Classification: Pathogenic for Hereditary cancer-predisposing syndrome. Last evaluated: 2024-08-06. Review status: criteria provided, single submitter. Criteria: Ambry Variant Classification Scheme 2023. Collection method: clinical testing. Allele origin: germline. Not counted in ClinVar's aggregate classification.
Comment: The p.Y3092* pathogenic mutation (also known as c.9276T>G), located in coding exon 24 of the BRCA2 gene, results from a T to G substitution at nucleotide position 9276. This changes the amino acid from a tyrosine to a stop codon within coding exon 24. This alteration has been detected in multiple patients with breast cancer (Armes JE et al. Cancer, 1998 Dec;83:2335-45; Wen WX et al. J. Med. Genet., 2018 02;55:97-103; Rebbeck TR et al. Hum. Mutat., 2018 05;39:593-620). This variant is considered to be rare based on population cohorts in the Genome Aggregation Database (gnomAD). In addition to the clinical data presented in the literature, this alteration is expected to result in loss of function by premature protein truncation or nonsense-mediated mRNA decay. As such, this alteration is interpreted as a disease-causing mutation.

Color Diagnostics, LLC DBA Color Health
Classification: Pathogenic for Hereditary cancer-predisposing syndrome. Last evaluated: 2021-10-02. Review status: criteria provided, single submitter. Criteria: ACMG Guidelines, 2015. Collection method: clinical testing. Allele origin: germline. Not counted in ClinVar's aggregate classification.
Comment: This variant changes 1 nucleotide in exon 25 of the BRCA2 gene, creating a premature translation stop signal. This variant is expected to result in an absent or non-functional protein product. To our knowledge, this variant has not been reported in individuals affected with hereditary cancer in the literature. This variant has not been identified in the general population by the Genome Aggregation Database (gnomAD). Loss of BRCA2 function is a known mechanism of disease. Based on the available evidence, this variant is classified as Pathogenic.

Bioinformatics dept., Datar Cancer Genetics Limited, India
Classification: Pathogenic for Breast-ovarian cancer, familial, susceptibility to, 2. Last evaluated: 2017-07-13. Review status: criteria provided, single submitter. Criteria: ACMG Guidelines, 2015. Collection method: clinical testing. Allele origin: germline. Inheritance: Autosomal dominant inheritance. Affected: yes. Observed: 1 variant allele, 1 compound heterozygote. Not counted in ClinVar's aggregate classification.

Molecular Endocrinology Laboratory, Christian Medical College
Classification: Pathogenic for Breast-ovarian cancer, familial, susceptibility to, 2. Review status: criteria provided, single submitter. Criteria: ACMG Guidelines, 2015. Collection method: clinical testing. Allele origin: germline. Affected: yes. Not counted in ClinVar's aggregate classification.

Breast Cancer Information Core (BIC) (BRCA2)
Classification: Pathogenic for Breast-ovarian cancer, familial 2. Last evaluated: 2004-02-20. Review status: no assertion criteria provided. Collection method: clinical testing. Allele origin: germline. Affected: yes. Observed: 1 variant allele. Not counted in ClinVar's aggregate classification.

Literature cited by the submitters: PubMed 20104584 (cited by Labcorp Genetics (formerly Invitae), Labcorp and Molecular Endocrinology Laboratory, Christian Medical College); PubMed 9840533 (cited by 3 submitters); PubMed 28993434 (cited by Ambry Genetics); PubMed 29446198 (cited by Ambry Genetics).